The following is an entry in ClinVar:

NM_016188.5(ACTL6B):c.289C>T (p.Arg97Ter)

Gene: ACTL6B (actin like 6B; minus strand). Cytogenetic location: 7q22.1.
Variant type: single nucleotide variant.
Coding change: c.289C>T on transcript NM_016188.5 (MANE Select); coding-DNA position 289, C replaced by T.
Protein change: p.Arg97Ter; replaces arginine 97 with a stop codon.
Molecular consequence: nonsense. On other transcripts: non-coding transcript variant (1).
Genome position (GRCh38, 1-based): chr7:100,655,099, G>A on the plus strand (C>T on the coding strand, the complement: ACTL6B is on the minus strand). VCF-style: chr7-100655099-G-A. GRCh37 (hg19) VCF-style: chr7-100252722-G-A.
Other names: short protein forms R97*.
Identifiers: ClinVar variation 692137 (VCV000692137.5), dbSNP rs929755522, ClinGen allele CA163300342.
Genomic context (GRCh38, chr7:100,655,099, plus strand): 5'-CTGGGTGCAGGTTTGGCTCAGACTTGACGTGTTTGCTGTAGGTGTGATCCAGGATGGCTC[G>A]GAAGCACTCCCAGTCCTCGACTGGGGCCAGAAGAGCAGCGTGCAGAGACGCAAGAAGGCA-3'

ClinVar aggregate classification (germline): Likely pathogenic. Review status: criteria provided, multiple submitters, no conflicts (2 of 4 stars). 4 submissions from 4 submitters: Likely pathogenic (2). 2 of the submissions do not count toward it. Last evaluated 2024-07-19.

Conditions:
ACTL6B-related recessive epilepsy.
Developmental and epileptic encephalopathy, 76. Also called: EPILEPTIC ENCEPHALOPATHY, EARLY INFANTILE, 76; DEVELOPMENTAL DELAY, EPILEPTIC ENCEPHALOPATHY, CEREBRAL ATROPHY, AND ABNORMAL MYELINATION. Identifiers: MedGen C5193113, MONDO:0032768, OMIM 618468.
Intellectual developmental disorder with severe speech and ambulation defects. Identifiers: MedGen C5193115, MONDO:0032770, OMIM 618470.

Allele frequency attached by ClinVar (database versions not stated): gnomAD 0.00001; TOPMed 0.00001.
gnomAD v4.1: 3 of 1,613,858 alleles (0.00019%); highest among the groups gnomAD compares: African/African-American, 0.0013%; no homozygotes.

Submissions (4):

Pittsburgh Clinical Genomics Laboratory, University of Pittsburgh Medical Center
Classification: Likely pathogenic for Intellectual developmental disorder with severe speech and ambulation defects. Last evaluated: 2024-07-19. Review status: criteria provided, single submitter. Criteria: ACMG Guidelines, 2015. Collection method: clinical testing. Allele origin: germline. Inheritance: Autosomal unknown. Affected: yes.
Comment: This sequence variant is a single nucleotide substitution (C>T) at position 289 of the coding sequence of the ACTL6B gene which changes the Arg97 codon to an early termination codon. As it occurs in exon 4 of 14, this variant is predicted to generate a non-functional allele through either the expression of a truncated protein or a loss of actin like 6B expression due to nonsense-mediated decay. This is a previously reported variant (ClinVar 692137) that has been observed as homozygous in an individual with developmental delay, intellectual disability, autism spectrum disorder, and epilepsy (PMID: 31031012). This variant is present in 3 of 1613858 alleles (0.00019%) in the gnomAD v4.0.0 population dataset. Haploinsufficiency in ACTL6B is a known mechanism of disease (PMID: 31031012, 23525042). Based upon the evidence, we consider this variant to be likely pathogenic. ACMG Criteria: PM2, PVS1

SIB Swiss Institute of Bioinformatics
Classification: Likely pathogenic for Developmental and epileptic encephalopathy, 76. Last evaluated: 2019-07-28. Review status: criteria provided, single submitter. Criteria: ACMG Guidelines, 2015. Collection method: curation. Allele origin: unknown.
Comment: This variant is interpreted as a Likely pathogenic for Epileptic encephalopathy, early infantile, 76, autosomal recessive. The following ACMG Tag(s) were applied: PM2, PVS1-Strong.

Solve-RD Consortium
Classification: Likely pathogenic for Intellectual developmental disorder with severe speech and ambulation defects. Last evaluated: 2022-06-01. Review status: no assertion criteria provided. Collection method: provider interpretation. Allele origin: inherited. Affected: yes. Not counted in ClinVar's aggregate classification.
Comment: Variant confirmed as disease-causing by referring clinical team

Variant identified during reanalysis of unsolved cases by the Solve-RD project. The Solve-RD project has received funding from the European Union’s Horizon 2020 research and innovation programme under grant agreement No 779257.

CHU Sainte-Justine Research Center, University of Montreal
Classification: Likely pathogenic for ACTL6B-related recessive epilepsy. Last evaluated: 2019-03-01. Review status: no assertion criteria provided. Collection method: research. Allele origin: germline. Affected: yes. Not counted in ClinVar's aggregate classification.

Literature cited by the submitters: PubMed 23525042 (cited by Pittsburgh Clinical Genomics Laboratory, University of Pittsburgh Medical Center); PubMed 31031012 (cited by Pittsburgh Clinical Genomics Laboratory, University of Pittsburgh Medical Center and SIB Swiss Institute of Bioinformatics); PubMed 39825153 (cited by Solve-RD Consortium).